The following is an entry in ClinVar:

ClinVar aggregate classification (germline): Uncertain significance (1 of 4 stars; one submission).

Conditions:
Familial focal epilepsy with variable foci (FPEVF). Identifiers: Orphanet 98820, MedGen C1858477, MONDO:0020310.

Submission:

Labcorp Genetics (formerly Invitae), Labcorp
Classification: Uncertain significance for Familial focal epilepsy with variable foci. Last evaluated: 2021-05-10. Review status: criteria provided, single submitter. Criteria: Invitae Variant Classification Sherloc (09022015). Collection method: clinical testing. Allele origin: germline.
Comment: In summary, the available evidence is currently insufficient to determine the role of this variant in disease. Therefore, it has been classified as a Variant of Uncertain Significance. Algorithms developed to predict the effect of missense changes on protein structure and function are either unavailable or do not agree on the potential impact of this missense change (SIFT: "Deleterious"; PolyPhen-2: "Not Available"; Align-GVGD: "Class C0"). This variant has not been reported in the literature in individuals with DEPDC5-related conditions. This variant is not present in population databases (ExAC no frequency). This sequence change replaces alanine with serine at codon 1227 of the DEPDC5 protein (p.Ala1227Ser). The alanine residue is highly conserved and there is a moderate physicochemical difference between alanine and serine.

NM_001242896.3(DEPDC5):c.3679G>T (p.Ala1227Ser)

Gene: DEPDC5 (DEP domain containing 5, GATOR1 subcomplex subunit; plus strand). Cytogenetic location: 22q12.3.
Variant type: single nucleotide variant.
Coding change: c.3679G>T on transcript NM_001242896.3 (MANE Select); coding-DNA position 3679, G replaced by T.
Protein change: p.Ala1227Ser; replaces alanine 1227 with serine.
Molecular consequence: missense variant. On other transcripts: non-coding transcript variant (4).
Genome position (GRCh38, 1-based): chr22:31,874,388, G>T. VCF-style: chr22-31874388-G-T. GRCh37 (hg19) VCF-style: chr22-32270374-G-T.
Other names: c.3652G>T, p.Ala1218Ser (NM_001136029.4); c.3379G>T, p.Ala1127Ser (NM_001242897.2); c.3613G>T, p.Ala1205Ser (NM_001363852.2, NM_001364320.2); c.3445G>T, p.Ala1149Ser (NM_001363854.2, NM_001364319.2); c.3679G>T, p.Ala1227Ser (NM_001364318.2); c.3595G>T, p.Ala1199Ser (NM_001369901.1, NM_001369902.1); c.3586G>T, p.Ala1196Ser (NM_001369903.1, NM_014662.6); short protein forms A1127S, A1149S, A1199S, A1205S, A1218S, A1196S, A1227S.
Identifiers: ClinVar variation 1352510 (VCV001352510.8), dbSNP rs2149256987, ClinGen allele CA411278192.